The following is an entry in ClinVar:

ClinVar aggregate classification (germline): Benign. Review status: criteria provided, multiple submitters, no conflicts (2 of 4 stars). 14 submissions from 12 submitters: Benign (10). 4 of the submissions do not count toward it. Last evaluated 2026-02-04.

Conditions:
3-Methylglutaconic aciduria type 3 (MGCA3). Also called: Costeff Syndrome; OPA3-Related 3-Methylglutaconic Aciduria; OPA3, AUTOSOMAL RECESSIVE; OPTIC ATROPHY 3, AUTOSOMAL RECESSIVE. Identifiers: Orphanet 67047, MedGen C0574084, MONDO:0009787, OMIM 258501.
Optic atrophy 3 (OPA3). Also called: Optic atrophy 3 with cataract; Optic atrophy, cataract, and neurologic disorder; OPTIC ATROPHY 3, AUTOSOMAL DOMINANT. Identifiers: Orphanet 67036, MedGen C1833809, MONDO:0008133, OMIM 165300.

Allele frequency attached by ClinVar (database versions not stated): gnomAD 0.70508 and 0.70624; 1000 Genomes Project 30x 0.76390; 1000 Genomes Project 0.76697; gnomAD exomes 0.65998 and 0.70964; ESP Exome Variant Server 0.68256; ExAC 0.70758; TOPMed 0.71321.
gnomAD v4.1: 1,071,293 of 1,612,564 alleles (66%); highest among the groups gnomAD compares: East Asian, 84%; 359,236 homozygotes.

Submissions (14):

Labcorp Genetics (formerly Invitae), Labcorp
Classification: Benign for 3-Methylglutaconic aciduria type 3; Optic atrophy 3. Last evaluated: 2026-02-04. Review status: criteria provided, single submitter. Criteria: Invitae Variant Classification Sherloc (09022015). Collection method: clinical testing. Allele origin: germline.

Blueprint Genetics
Classification: Benign. Last evaluated: 2024-11-28. Review status: criteria provided, single submitter. Criteria: ACMG Guidelines, 2015. Collection method: clinical testing. Allele origin: germline.

Genome-Nilou Lab
Classification: Benign for 3-Methylglutaconic aciduria type 3. Last evaluated: 2021-06-10. Review status: criteria provided, single submitter. Criteria: ACMG Guidelines, 2015. Collection method: clinical testing. Allele origin: germline. Affected: no.

Genome-Nilou Lab
Classification: Benign for Optic atrophy 3. Last evaluated: 2021-06-10. Review status: criteria provided, single submitter. Criteria: ACMG Guidelines, 2015. Collection method: clinical testing. Allele origin: germline. Affected: no.

Illumina Laboratory Services, Illumina
Classification: Benign for 3-Methylglutaconic aciduria type 3. Last evaluated: 2018-01-13. Review status: criteria provided, single submitter. Criteria: ICSL Variant Classification Criteria 13 December 2019. Collection method: clinical testing. Allele origin: germline.
Comment: This variant was observed in the ICSL laboratory as part of a predisposition screen in an ostensibly healthy population. It had not been previously curated by ICSL or reported in the Human Gene Mutation Database (HGMD: prior to June 1st, 2018), and was therefore a candidate for classification through an automated scoring system. Utilizing variant allele frequency, disease prevalence and penetrance estimates, and inheritance mode, an automated score was calculated to assess if this variant is too frequent to cause the disease. Based on the score and internal cut-off values, a variant classified as benign is not then subjected to further curation. The score for this variant resulted in a classification of benign for this disease.

Illumina Laboratory Services, Illumina
Classification: Benign for Optic atrophy 3. Last evaluated: 2018-01-13. Review status: criteria provided, single submitter. Criteria: ICSL Variant Classification Criteria 13 December 2019. Collection method: clinical testing. Allele origin: germline.
Comment: the same text as in the submission from Illumina Laboratory Services, Illumina above.

Eurofins Ntd Llc (ga)
Classification: Benign. Last evaluated: 2017-09-06. Review status: criteria provided, single submitter. Criteria: EGL Classification Definitions 2015. Collection method: clinical testing. Allele origin: germline. Observed: 194 variant alleles, 95 heterozygotes, 99 homozygotes.

GeneDx
Classification: Benign. Last evaluated: 2015-03-03. Review status: criteria provided, single submitter. Criteria: GeneDx Variant Classification Process June 2021. Collection method: clinical testing. Allele origin: germline. Affected: yes.

Breakthrough Genomics
Classification: Benign. Review status: criteria provided, single submitter. Criteria: ACMG Guidelines, 2015. Collection method: not provided. Allele origin: germline. Inheritance: Autosomal recessive inheritance. Affected: yes.

PreventionGenetics, part of Exact Sciences
Classification: Benign. Review status: criteria provided, single submitter. Criteria: ACMG Guidelines, 2015. Collection method: clinical testing. Allele origin: germline.

Natera, Inc.
Classification: Benign for 3-methylglutaconic aciduria type 3. Last evaluated: 2019-11-18. Review status: no assertion criteria provided. Collection method: clinical testing. Allele origin: germline. Not counted in ClinVar's aggregate classification.

Mayo Clinic Laboratories, Mayo Clinic
Classification: Benign. Last evaluated: 2016-02-19. Review status: no assertion criteria provided. Collection method: clinical testing. Allele origin: unknown. Not counted in ClinVar's aggregate classification.

Department of Ophthalmology and Visual Sciences Kyoto University
Classification: Likely benign. Review status: no assertion criteria provided. Collection method: not provided. Allele origin: unknown. Not counted in ClinVar's aggregate classification.
ClinVar note: Converted during submission from probable-non-pathogenic to Likely benign.

Genetic Services Laboratory, University of Chicago
Classification: Likely benign for AllHighlyPenetrant. Review status: no assertion criteria provided. Collection method: clinical testing. Allele origin: germline. Not counted in ClinVar's aggregate classification.
Comment: Likely benign based on allele frequency in 1000 Genomes Project or ESP global frequency and its presence in a patient with a rare or unrelated disease phenotype. NOT Sanger confirmed.

NM_025136.4(OPA3):c.231T>C (p.Ala77=)

Genes: OPA3 (outer mitochondrial membrane lipid metabolism regulator OPA3; minus strand), OPA3-RTN2 (OPA3-RTN2 readthrough; minus strand). Cytogenetic location: 19q13.32.
Variant type: single nucleotide variant.
Coding change: c.231T>C on transcript NM_025136.4 (MANE Select); coding-DNA position 231, T replaced by C.
Protein change: p.Ala77=; no amino-acid change (alanine 77 retained).
Molecular consequence: synonymous variant. On other transcripts: intron variant (1).
Genome position (GRCh38, 1-based): chr19:45,553,823, A>G on the plus strand (T>C on the coding strand, the complement: OPA3 is on the minus strand). VCF-style: chr19-45553823-A-G. GRCh37 (hg19) VCF-style: chr19-46057081-A-G.
Other names: c.143-24367T>C (NM_001017989.3).
Identifiers: ClinVar variation 21709 (VCV000021709.35), dbSNP rs3826860, ClinGen allele CA149316.